The following is an entry in ClinVar:

ClinVar aggregate classification (germline): Benign/Likely benign. Review status: criteria provided, multiple submitters, no conflicts (2 of 4 stars). 16 submissions from 13 submitters: Benign (12); Likely benign (2). 2 of the submissions do not count toward it. Last evaluated 2026-02-04.

Conditions:
Familial hypocalciuric hypercalcemia (FHH). Also called: Familial benign hypercalcemia. Identifiers: Orphanet 405, MedGen C1809471, MONDO:0018458.
Autosomal dominant hypocalcemia 1 (HYPOC1). Also called: HYPOCALCEMIA, FAMILIAL. Identifiers: MedGen C3715128, MONDO:0011013, OMIM 601198.
Nephrolithiasis/nephrocalcinosis. Identifiers: MedGen CN580796.
Familial hypocalciuric hypercalcemia 1. Also called: Hypercalcemia, familial benign type 1. Identifiers: Orphanet 405, Orphanet 93372, MedGen C0342637, MONDO:0007791, OMIM 145980.
Neonatal severe primary hyperparathyroidism. Identifiers: Orphanet 417, MedGen C1832615, MONDO:0009397, OMIM 239200.
Familial hypoparathyroidism. Also called: Familial isolated hypoparathyroidism. Identifiers: Orphanet 2238, MedGen C1832648, MONDO:0016390.

Allele frequency attached by ClinVar (database versions not stated): ESP Exome Variant Server 0.00200; gnomAD exomes 0.00731 and 0.03319; gnomAD 0.01436 and 0.01481; TOPMed 0.02555; 1000 Genomes Project 30x 0.02858; ExAC 0.02380; 1000 Genomes Project 0.02516.
gnomAD v4.1: 12,870 of 1,613,882 alleles (0.8%); highest among the groups gnomAD compares: Admixed American, 20%; 1,513 homozygotes.

Submissions (16):

Labcorp Genetics (formerly Invitae), Labcorp
Classification: Benign for Familial hypocalciuric hypercalcemia; Autosomal dominant hypocalcemia 1. Last evaluated: 2026-02-04. Review status: criteria provided, single submitter. Criteria: Invitae Variant Classification Sherloc (09022015). Collection method: clinical testing. Allele origin: germline.

Mayo Clinic Laboratories, Mayo Clinic
Classification: Benign. Last evaluated: 2025-10-02. Review status: criteria provided, single submitter. Criteria: ACMG Guidelines, 2015. Collection method: clinical testing. Allele origin: germline. Observed: 26 variant alleles.

Center for Genomic Medicine, Rigshospitalet, Copenhagen University Hospital
Classification: Benign. Last evaluated: 2025-03-04. Review status: criteria provided, single submitter. Criteria: ACMG Guidelines, 2015. Collection method: clinical testing. Allele origin: germline.

Blueprint Genetics
Classification: Benign. Last evaluated: 2024-11-25. Review status: criteria provided, single submitter. Criteria: ACMG Guidelines, 2015. Collection method: clinical testing. Allele origin: germline.

Ambry Genetics
Classification: Benign for Nephrolithiasis/nephrocalcinosis. Last evaluated: 2018-09-13. Review status: criteria provided, single submitter. Criteria: Ambry Variant Classification Scheme 2023. Collection method: clinical testing. Allele origin: germline.

Illumina Laboratory Services, Illumina
Classification: Benign for Familial hypocalciuric hypercalcemia 1. Last evaluated: 2018-01-12. Review status: criteria provided, single submitter. Criteria: ICSL Variant Classification Criteria 13 December 2019. Collection method: clinical testing. Allele origin: germline.
Comment: This variant was observed in the ICSL laboratory as part of a predisposition screen in an ostensibly healthy population. It had not been previously curated by ICSL or reported in the Human Gene Mutation Database (HGMD: prior to June 1st, 2018), and was therefore a candidate for classification through an automated scoring system. Utilizing variant allele frequency, disease prevalence and penetrance estimates, and inheritance mode, an automated score was calculated to assess if this variant is too frequent to cause the disease. Based on the score and internal cut-off values, a variant classified as benign is not then subjected to further curation. The score for this variant resulted in a classification of benign for this disease.

Illumina Laboratory Services, Illumina
Classification: Benign for Neonatal severe primary hyperparathyroidism. Last evaluated: 2018-01-12. Review status: criteria provided, single submitter. Criteria: ICSL Variant Classification Criteria 13 December 2019. Collection method: clinical testing. Allele origin: germline.
Comment: the same text as in the submission from Illumina Laboratory Services, Illumina above.

Illumina Laboratory Services, Illumina
Classification: Benign for Familial isolated hypoparathyroidism. Last evaluated: 2018-01-12. Review status: criteria provided, single submitter. Criteria: ICSL Variant Classification Criteria 13 December 2019. Collection method: clinical testing. Allele origin: germline.
Comment: the same text as in the submission from Illumina Laboratory Services, Illumina above.

Illumina Laboratory Services, Illumina
Classification: Benign for Autosomal dominant hypocalcemia 1. Last evaluated: 2018-01-12. Review status: criteria provided, single submitter. Criteria: ICSL Variant Classification Criteria 13 December 2019. Collection method: clinical testing. Allele origin: germline.
Comment: the same text as in the submission from Illumina Laboratory Services, Illumina above.

GeneDx
Classification: Benign. Last evaluated: 2017-12-14. Review status: criteria provided, single submitter. Criteria: GeneDx Variant Classification (06012015). Collection method: clinical testing. Allele origin: germline. Affected: yes.
Comment: This variant is considered likely benign or benign based on one or more of the following criteria: it is a conservative change, it occurs at a poorly conserved position in the protein, it is predicted to be benign by multiple in silico algorithms, and/or has population frequency not consistent with disease.

Eurofins Ntd Llc (ga)
Classification: Benign. Last evaluated: 2014-05-09. Review status: criteria provided, single submitter. Criteria: EGL Classification Definitions 2015. Collection method: clinical testing. Allele origin: germline. Observed: 4 variant alleles, 4 heterozygotes.

Women's Health and Genetics/Laboratory Corporation of America, LabCorp
Classification: Likely benign for Familial Hypocalciuric Hypercalcemia. Last evaluated: 2011-08-18. Review status: criteria provided, single submitter. Criteria: LabCorp Variant Classification Summary - May 2015. Collection method: clinical testing. Allele origin: germline. Inheritance: autosomal unknown.
ClinVar note: Converted during submission from likely benign to Likely benign.

Breakthrough Genomics
Classification: Likely benign. Review status: criteria provided, single submitter. Criteria: ACMG Guidelines, 2015. Collection method: not provided. Allele origin: germline. Inheritance: Autosomal recessive inheritance. Affected: yes.

PreventionGenetics, part of Exact Sciences
Classification: Benign. Review status: criteria provided, single submitter. Criteria: ACMG Guidelines, 2015. Collection method: clinical testing. Allele origin: germline.

Genome Diagnostics Laboratory, University Medical Center Utrecht
Classification: Benign. Review status: no assertion criteria provided. Collection method: clinical testing. Allele origin: germline. Affected: yes. Study: VKGL Data-share Consensus. Not counted in ClinVar's aggregate classification.

Joint Genome Diagnostic Labs from Nijmegen and Maastricht, Radboudumc and MUMC+
Classification: Benign. Review status: no assertion criteria provided. Collection method: clinical testing. Allele origin: germline. Affected: yes. Study: VKGL Data-share Consensus. Not counted in ClinVar's aggregate classification.

Literature cited by the submitters: PubMed 17320849 (cited by Women's Health and Genetics/Laboratory Corporation of America, LabCorp); PubMed 21645025 (cited by Women's Health and Genetics/Laboratory Corporation of America, LabCorp); PubMed 11807402 (cited by Women's Health and Genetics/Laboratory Corporation of America, LabCorp).

NM_000388.4(CASR):c.1333A>G (p.Thr445Ala)

Gene: CASR (calcium sensing receptor; plus strand). Cytogenetic location: 3q21.1.
Variant type: single nucleotide variant.
Coding change: c.1333A>G on transcript NM_000388.4 (MANE Select); coding-DNA position 1333, A replaced by G.
Protein change: p.Thr445Ala; replaces threonine 445 with alanine.
Molecular consequence: missense variant.
Genome position (GRCh38, 1-based): chr3:122,262,368, A>G. VCF-style: chr3-122262368-A-G. GRCh37 (hg19) VCF-style: chr3-121981215-A-G.
Other names: c.1333A>G, p.Thr445Ala (NM_001178065.2); short protein forms T445A.
Identifiers: ClinVar variation 35776 (VCV000035776.38), dbSNP rs12493789, ClinGen allele CA202248.